The following is an entry in ClinVar:

ClinVar aggregate classification (germline): Uncertain significance. Review status: criteria provided, multiple submitters, no conflicts (2 of 4 stars). 3 submissions from 3 submitters: Uncertain significance (2). 1 of the submissions does not count toward it. Last evaluated 2026-02-01.

Conditions:
Retinal dystrophy. Also called: Inherited retinal dystrophy. Identifiers: Orphanet 71862, MedGen C0854723, MeSH D058499, MONDO:0019118, HP:0000556.

Allele frequency attached by ClinVar (database versions not stated): 1000 Genomes Project 30x 0.00016; TOPMed 0.00087; ESP Exome Variant Server 0.00161.
gnomAD v4.1: 2,045 of 1,614,016 alleles (0.13%); highest among the groups gnomAD compares: Non-Finnish European, 0.16%; 2 homozygotes.

Submissions (3):

Labcorp Genetics (formerly Invitae), Labcorp
Classification: Uncertain significance. Last evaluated: 2026-02-01. Review status: criteria provided, single submitter. Criteria: Invitae Variant Classification Sherloc (09022015). Collection method: clinical testing. Allele origin: germline.
Comment: This sequence change replaces glycine, which is neutral and non-polar, with cysteine, which is neutral and slightly polar, at codon 1303 of the ADGRA3 protein (p.Gly1303Cys). This variant is present in population databases (rs147716223, gnomAD 0.1%), and has an allele count higher than expected for a pathogenic variant. This variant has not been reported in the literature in individuals affected with ADGRA3-related conditions. ClinVar contains an entry for this variant (Variation ID: 839957). An algorithm developed to predict the effect of missense changes on protein structure and function (PolyPhen-2) suggests that this variant is likely to be tolerated. In summary, the available evidence is currently insufficient to determine the role of this variant in disease. Therefore, it has been classified as a Variant of Uncertain Significance.

Ambry Genetics
Classification: Uncertain significance. Last evaluated: 2021-07-09. Review status: criteria provided, single submitter. Criteria: Ambry Variant Classification Scheme 2023. Collection method: clinical testing. Allele origin: germline.

Institute of Human Genetics, Univ. Regensburg, Univ. Regensburg
Classification: Uncertain significance for Retinal dystrophy. Last evaluated: 2022-01-01. Review status: no assertion criteria provided. Criteria: ACMG Guidelines, 2015. Collection method: clinical testing. Allele origin: germline. Affected: yes. Not counted in ClinVar's aggregate classification.

NM_145290.4(ADGRA3):c.3907G>T (p.Gly1303Cys)

Gene: ADGRA3 (adhesion G protein-coupled receptor A3; minus strand). Cytogenetic location: 4p15.2.
Variant type: single nucleotide variant.
Coding change: c.3907G>T on transcript NM_145290.4 (MANE Select); coding-DNA position 3907, G replaced by T.
Protein change: p.Gly1303Cys; replaces glycine 1303 with cysteine.
Molecular consequence: missense variant.
Genome position (GRCh38, 1-based): chr4:22,387,764, C>A on the plus strand (G>T on the coding strand, the complement: ADGRA3 is on the minus strand). VCF-style: chr4-22387764-C-A. GRCh37 (hg19) VCF-style: chr4-22389387-C-A.
Other names: c.3907G>T (NM_145290.2); short protein forms G1303C.
Identifiers: ClinVar variation 839957 (VCV000839957.10), dbSNP rs147716223, ClinGen allele CA2873269.